The following is an entry in ClinVar:

ClinVar aggregate classification (germline): Uncertain significance (1 of 4 stars; one submission).

Conditions:
Chromosome 2q32-q33 deletion syndrome (GLASS). Also called: 2q33.1 deletion syndrome; Glass syndrome. Identifiers: Orphanet 251019, MedGen C2676739, MONDO:0012864, OMIM 612313.

Submission:

Labcorp Genetics (formerly Invitae), Labcorp
Classification: Uncertain significance for Chromosome 2q32-q33 deletion syndrome. Last evaluated: 2023-01-17. Review status: criteria provided, single submitter. Criteria: Invitae Variant Classification Sherloc (09022015). Collection method: clinical testing. Allele origin: germline.
Comment: In summary, the available evidence is currently insufficient to determine the role of this variant in disease. Therefore, it has been classified as a Variant of Uncertain Significance. Advanced modeling of protein sequence and biophysical properties (such as structural, functional, and spatial information, amino acid conservation, physicochemical variation, residue mobility, and thermodynamic stability) has been performed at Invitae for this missense variant, however the output from this modeling did not meet the statistical confidence thresholds required to predict the impact of this variant on SATB2 protein function. This variant has not been reported in the literature in individuals affected with SATB2-related conditions. This variant is not present in population databases (gnomAD no frequency). This sequence change replaces serine, which is neutral and polar, with phenylalanine, which is neutral and non-polar, at codon 622 of the SATB2 protein (p.Ser622Phe).

NM_001172509.2(SATB2):c.1865C>T (p.Ser622Phe)

Genes: SATB2 (SATB homeobox 2; minus strand), LOC126806462 (MED14-independent group 3 enhancer GRCh37_chr2:200136608-200137807; plus strand). Cytogenetic location: 2q33.1.
Variant type: single nucleotide variant.
Coding change: c.1865C>T on transcript NM_001172509.2 (MANE Select); coding-DNA position 1865, C replaced by T.
Protein change: p.Ser622Phe; replaces serine 622 with phenylalanine.
Molecular consequence: missense variant.
Genome position (GRCh38, 1-based): chr2:199,272,548, G>A on the plus strand (C>T on the coding strand, the complement: SATB2 is on the minus strand). VCF-style: chr2-199272548-G-A. GRCh37 (hg19) VCF-style: chr2-200137271-G-A.
Other names: c.1865C>T, p.Ser622Phe (NM_001172517.1, NM_015265.4); short protein forms S622F.
Identifiers: ClinVar variation 2829622 (VCV002829622.3), dbSNP rs2468783480, ClinGen allele CA350385834.